The following is an entry in ClinVar:

ClinVar aggregate classification (germline): Uncertain significance. Review status: criteria provided, multiple submitters, no conflicts (2 of 4 stars). 4 submissions from 4 submitters: Uncertain significance (4). Last evaluated 2026-01-25.

Conditions:
Familial melanoma. Also called: Hereditary melanoma; Hereditary cutaneous melanoma. Identifiers: Orphanet 618, MedGen C1512419, MONDO:0018961.
Hereditary cancer-predisposing syndrome. Also called: Neoplastic Syndromes, Hereditary; Tumor predisposition; Hereditary Cancer Syndrome; Hereditary neoplastic syndrome. Identifiers: Orphanet 140162, MedGen C0027672, MeSH D009386, MONDO:0015356.

Allele frequency attached by ClinVar (database versions not stated): gnomAD below 0.00001 and 0.00001; gnomAD exomes 0.00001; TOPMed 0.00001.
gnomAD v4.1: 5 of 1,614,092 alleles (0.00031%); highest among the groups gnomAD compares: East Asian, 0.0045%; no homozygotes.

Submissions (4):

Labcorp Genetics (formerly Invitae), Labcorp
Classification: Uncertain significance for Familial melanoma. Last evaluated: 2026-01-25. Review status: criteria provided, single submitter. Criteria: Invitae Variant Classification Sherloc (09022015). Collection method: clinical testing. Allele origin: germline.
Comment: This sequence change replaces valine, which is neutral and non-polar, with isoleucine, which is neutral and non-polar, at codon 242 of the CDK4 protein (p.Val242Ile). This variant is present in population databases (no rsID available, gnomAD 0.01%). This variant has not been reported in the literature in individuals affected with CDK4-related conditions. ClinVar contains an entry for this variant (Variation ID: 231017). Invitae Evidence Modeling of protein sequence and biophysical properties (such as structural, functional, and spatial information, amino acid conservation, physicochemical variation, residue mobility, and thermodynamic stability) indicates that this missense variant is not expected to disrupt CDK4 protein function with a negative predictive value of 95%. In summary, the available evidence is currently insufficient to determine the role of this variant in disease. Therefore, it has been classified as a Variant of Uncertain Significance.

Ambry Genetics
Classification: Uncertain significance for Hereditary cancer-predisposing syndrome. Last evaluated: 2025-11-26. Review status: criteria provided, single submitter. Criteria: Ambry Variant Classification Scheme 2023. Collection method: clinical testing. Allele origin: germline.

GeneDx
Classification: Uncertain significance. Last evaluated: 2020-08-24. Review status: criteria provided, single submitter. Criteria: GeneDx Variant Classification Process June 2021. Collection method: clinical testing. Allele origin: germline. Affected: yes.
Comment: Not observed at a significant frequency in large population cohorts (Lek 2016); In silico analysis supports that this missense variant does not alter protein structure/function; Has not been previously published as pathogenic or benign to our knowledge

Women's Health and Genetics/Laboratory Corporation of America, LabCorp
Classification: Uncertain significance. Last evaluated: 2016-03-01. Review status: criteria provided, single submitter. Criteria: LabCorp Variant Classification Summary - May 2015. Collection method: clinical testing. Allele origin: germline.
Comment: Variant summary: The c.724G>A in CDK4 gene is a missense variant that involves a conserved nucleotide and 4/5 in silico tools predict a benign outcome. The variant is absent from the broad control population dataset of ExAC, suggesting this variant is not a common polymorphism. The variant has not, to our knowledge, been reported in affected individuals via peer-reviewed publications nor has it been cited by reputable database(s)/ diagnostic center(s). Taking together, the variant was classified as VUS, until additional information becomes available.

NM_000075.4(CDK4):c.724G>A (p.Val242Ile)

Genes: TSPAN31 (tetraspanin 31; plus strand), CDK4 (cyclin dependent kinase 4; minus strand). Cytogenetic location: 12q14.1.
Variant type: single nucleotide variant.
Coding change: c.724G>A on transcript NM_000075.4 (MANE Select); coding-DNA position 724, G replaced by A.
Protein change: p.Val242Ile; replaces valine 242 with isoleucine.
Molecular consequence: missense variant. On other transcripts: 3 prime UTR variant (3).
Genome position (GRCh38, 1-based): chr12:57,749,277, C>T on the plus strand (G>A on the coding strand, the complement: CDK4 is on the minus strand). VCF-style: chr12-57749277-C-T. GRCh37 (hg19) VCF-style: chr12-58143060-C-T.
Other names: c.*1987C>T (NM_001330168.2, NM_001330169.2, NM_005981.5); short protein forms V242I.
Identifiers: ClinVar variation 231017 (VCV000231017.16), dbSNP rs876658903, ClinGen allele CA10579435.
Genomic context (GRCh38, chr12:57,749,277, plus strand): 5'-GTACCACCGACTGCACTGGGCGGGGCCCTCTGGGGGGAAAGGCTCCACGGGGCAGGGATA[C>T]ATCTCGAGGCCAGTCATCCTCTGGAGGCAGCCCAATCAGGCTGTGGGGGACAGGAGAACT-3'
Protein context (NP_000066.1, residues 232-252): LPPEDDWPRD[Val242Ile]SLPRGAFPPR